The following is an entry in ClinVar:

ClinVar aggregate classification (germline): Conflicting classifications of pathogenicity. Review status: criteria provided, conflicting classifications (1 of 4 stars). 3 submissions from 3 submitters: Likely pathogenic (1); Uncertain significance (1). 1 of the submissions does not count toward it. Last evaluated 2024-06-13.

Conditions:
Neurodevelopmental disorder with relative macrocephaly and with or without cardiac or endocrine anomalies. Also called: Nabais Sa-de Vries syndrome, type 2. Identifiers: Orphanet 662175, MedGen C5394221, MONDO:0032943, OMIM 618829.
Prostate cancer. Also called: Malignant tumor of prostate. Identifiers: Orphanet 1331, MedGen C0376358, MONDO:0008315, HP:0012125.

Submissions (3):

Institute of Human Genetics, University of Leipzig Medical Center
Classification: Uncertain significance for Neurodevelopmental disorder with relative macrocephaly and with or without cardiac or endocrine anomalies. Last evaluated: 2024-06-13. Review status: criteria provided, single submitter. Criteria: ACMG Guidelines, 2015. Collection method: clinical testing. Allele origin: unknown. Affected: yes.
Comment: Criteria applied: PM1,PM2

GeneDx
Classification: Likely pathogenic. Last evaluated: 2023-01-25. Review status: criteria provided, single submitter. Criteria: GeneDx Variant Classification Process June 2021. Collection method: clinical testing. Allele origin: germline. Affected: yes.
Comment: Not observed at significant frequency in large population cohorts (gnomAD); In silico analysis supports that this missense variant has a deleterious effect on protein structure/function; Has not been previously published as pathogenic or benign to our knowledge

Laboratory of Virology, Microbiology,  Quality and Medical Biotechnologies, Faculty of Sciences and Techniques - Mohammedia, Hassan II University of Casablanca
Classification: Uncertain significance for Malignant tumor of prostate. Review status: no assertion criteria provided. Collection method: clinical testing. Allele origin: somatic. Affected: yes. Not counted in ClinVar's aggregate classification.

NM_001007228.2(SPOP):c.295C>T (p.Arg99Trp)

Gene: SPOP (speckle type BTB/POZ protein; minus strand). Cytogenetic location: 17q21.33.
Variant type: single nucleotide variant.
Coding change: c.295C>T on transcript NM_001007228.2 (MANE Select); coding-DNA position 295, C replaced by T.
Protein change: p.Arg99Trp; replaces arginine 99 with tryptophan.
Molecular consequence: missense variant.
Genome position (GRCh38, 1-based): chr17:49,619,291, G>A on the plus strand (C>T on the coding strand, the complement: SPOP is on the minus strand). VCF-style: chr17-49619291-G-A. GRCh37 (hg19) VCF-style: chr17-47696653-G-A.
Other names: c.295C>T, p.Arg99Trp (NM_001007226.1, NM_001007227.1, NM_001007229.1 and 5 more transcripts); short protein forms R99W.
Identifiers: ClinVar variation 694238 (VCV000694238.11), dbSNP rs866898949, ClinGen allele CA291499320.
Genomic context (GRCh38, chr17:49,619,291, plus strand): 5'-TACCCATAGCTTTGGTTTCTTCTCCCTTGGCATTCAGGATGGAGAATTTGAATTTTGCCC[G>A]AACTTCACTCTTTGGACAGCTGACCAGTAACAGGTAAAGTGACAGGTAATCTTTGCTTTC-3'
Protein context (NP_001007229.1, residues 89-109): LLVSCPKSEV[Arg99Trp]AKFKFSILNA